The following is an entry in ClinVar:

NM_001009999.3(KDM1A):c.2460CTT[1] (p.Phe822del)

Gene: KDM1A (lysine demethylase 1A; plus strand). Cytogenetic location: 1p36.12.
Variant type: Microsatellite.
Coding change: c.2460CTT[1] on transcript NM_001009999.3 (MANE Select); one copy of the 3-base unit CTT starting at c.2460; the reference has two copies in a row; one copy, 3 bases deleted; also written c.2463_2465del.
Protein change: p.Phe822del; deletes phenylalanine 822.
Molecular consequence: inframe deletion. On other transcripts: 3 prime UTR variant (1).
Genome position (GRCh38, 1-based): chr1:23,083,196-23,083,198, CTT deleted; deleting any 3 consecutive bases within chr1:23,083,192-23,083,198 gives the same sequence; the position shown is the placement nearest the transcript's 3' end. VCF-style (leftmost placement, unchanged base first): chr1-23083191-CTCT-C. GRCh37 (hg19) VCF-style: chr1-23409684-CTCT-C.
Other names: c.2406CTT[1], p.Phe804del (NM_001363654.2); c.2466CTT[1], p.Phe824del (NM_001410762.1); c.*708CTT[1] (NM_001410763.1); c.2388CTT[1], p.Phe798del (NM_015013.4); c.2463_2465del (NM_001009999.3); short protein forms F822del, F804del, F824del, F798del.
Identifiers: ClinVar variation 5006269 (VCV005006269.2).

ClinVar aggregate classification (germline): Uncertain significance (1 of 4 stars; one submission).

Conditions:
ACTH-independent macronodular adrenal hyperplasia 3. Also called: CUSHING SYNDROME, FOOD-DEPENDENT. Identifiers: MedGen C5975485, MONDO:0700299, OMIM 620990.
Palatal anomalies-widely spaced teeth-facial dysmorphism-developmental delay syndrome. Also called: Cleft palate, psychomotor retardation, and distinctive facial features. Identifiers: Orphanet 477993, MedGen C4225229, MONDO:0014751, OMIM 616728.

Submission:

Juno Genomics, Hangzhou Juno Genomics, Inc
Classification: Uncertain significance for ACTH-independent macronodular adrenal hyperplasia 3; Palatal anomalies-widely spaced teeth-facial dysmorphism-developmental delay syndrome. Review status: criteria provided, single submitter. Criteria: ACMG Guidelines, 2015. Collection method: clinical testing. Allele origin: germline.
Comment: Absent from controls (or at extremely low frequency if recessive) in Genome Aggregation Database.;Protein length changes due to in-frame deletions/insertions in a non-repeat region or stop-loss variants.